The following is an entry in ClinVar:

ClinVar aggregate classification (germline): Uncertain significance (1 of 4 stars; one submission).

Allele frequency attached by ClinVar (database versions not stated): gnomAD exomes 0.00002; gnomAD 0.00003; TOPMed 0.00003; ExAC 0.00004.
gnomAD v4.1: 32 of 1,608,704 alleles (0.002%); highest among the groups gnomAD compares: Non-Finnish European, 0.0026%; no homozygotes.

Submission:

CeGaT Center for Human Genetics Tuebingen
Classification: Uncertain significance. Last evaluated: 2024-01-01. Review status: criteria provided, single submitter. Criteria: CeGaT Center For Human Genetics Tuebingen Variant Classification Criteria Version 2. Collection method: clinical testing. Allele origin: germline. Affected: yes. Observed: 1 variant allele.
Comment: MSH4: PM2:Supporting, BP4

NM_002440.4(MSH4):c.1560A>G (p.Gly520=)

Gene: MSH4 (mutS homolog 4; plus strand). Cytogenetic location: 1p31.1.
Variant type: single nucleotide variant.
Coding change: c.1560A>G on transcript NM_002440.4 (MANE Select); coding-DNA position 1560, A replaced by G.
Protein change: p.Gly520=; no amino-acid change (glycine 520 retained).
Molecular consequence: synonymous variant.
Genome position (GRCh38, 1-based): chr1:75,879,011, A>G. VCF-style: chr1-75879011-A-G. GRCh37 (hg19) VCF-style: chr1-76344696-A-G.
Identifiers: ClinVar variation 3025715 (VCV003025715.22), dbSNP rs767433837, ClinGen allele CA914292.